The following is an entry in ClinVar:

ClinVar aggregate classification (germline): Likely benign. Review status: criteria provided, multiple submitters, no conflicts (2 of 4 stars). 2 submissions from 2 submitters: Likely benign (2). Last evaluated 2022-02-04.

Conditions:
Developmental and epileptic encephalopathy, 11 (DEE11). Also called: Early infantile epileptic encephalopathy 11. Identifiers: Orphanet 1934, MedGen C3150987, MONDO:0013388, OMIM 613721.
Seizures, benign familial infantile, 3 (BFIS3). Also called: CONVULSIONS, BENIGN FAMILIAL INFANTILE, 3; Familial neonatal seizures. Identifiers: Orphanet 140927, Orphanet 306, MedGen C1843140, MONDO:0011904, OMIM 607745.

Allele frequency attached by ClinVar (database versions not stated): gnomAD exomes below 0.00001.
gnomAD v4.1: 4 of 1,613,296 alleles (0.00025%); highest among the groups gnomAD compares: Non-Finnish European, 0.00034%; no homozygotes.

Submissions (2):

Labcorp Genetics (formerly Invitae), Labcorp
Classification: Likely benign for Seizures, benign familial infantile, 3; Developmental and epileptic encephalopathy, 11. Last evaluated: 2022-02-04. Review status: criteria provided, single submitter. Criteria: Invitae Variant Classification Sherloc (09022015). Collection method: clinical testing. Allele origin: germline.

GeneDx
Classification: Likely benign. Last evaluated: 2018-02-05. Review status: criteria provided, single submitter. Criteria: GeneDx Variant Classification (06012015). Collection method: clinical testing. Allele origin: germline. Affected: yes.
Comment: This variant is considered likely benign or benign based on one or more of the following criteria: it is a conservative change, it occurs at a poorly conserved position in the protein, it is predicted to be benign by multiple in silico algorithms, and/or has population frequency not consistent with disease.

NM_001040142.2(SCN2A):c.3939A>G (p.Pro1313=)

Gene: SCN2A (sodium voltage-gated channel alpha subunit 2; plus strand). Cytogenetic location: 2q24.3.
Variant type: single nucleotide variant.
Coding change: c.3939A>G on transcript NM_001040142.2 (MANE Select); coding-DNA position 3939, A replaced by G.
Protein change: p.Pro1313=; no amino-acid change (proline 1313 retained).
Molecular consequence: synonymous variant.
Genome position (GRCh38, 1-based): chr2:165,373,314, A>G. VCF-style: chr2-165373314-A-G. GRCh37 (hg19) VCF-style: chr2-166229824-A-G.
Other names: c.3939A>G, p.Pro1313= (NM_001040143.2, NM_001371246.1, NM_001371247.1 and 1 more transcripts).
Identifiers: ClinVar variation 515271 (VCV000515271.9), dbSNP rs1553593075, ClinGen allele CA429886510.
Genomic context (GRCh38, chr2:165,373,314, plus strand): 5'-CTTGGGTTACTCAGAACTTGGTGCCATCAAATCCCTCAGAACACTAAGAGCTCTGAGGCC[A>G]CTGAGAGCTTTGTCCCGGTTTGAAGGAATGAGGGTAAGACTGAATGCCTTAGAGTTTGTC-3'
Protein context (NP_001035232.1, residues 1303-1323): KSLRTLRALR[Pro1313=]LRALSRFEGM